The following is an entry in ClinVar:

ClinVar aggregate classification (germline): Pathogenic (1 of 4 stars; one submission).

Conditions:
Netherton syndrome (NETH). Also called: ERYTHRODERMA, ICHTHYOSIFORM, WITH HYPOTRICHOSIS AND HYPER-IgE; COMEL-NETHERTON SYNDROME; NETHERTON DISEASE. Identifiers: Orphanet 634, MedGen C5574950, MONDO:0009735, OMIM 256500.

Submission:

Labcorp Genetics (formerly Invitae), Labcorp
Classification: Pathogenic for Ichthyosis linearis circumflexa. Last evaluated: 2020-03-11. Review status: criteria provided, single submitter. Criteria: Invitae Variant Classification Sherloc (09022015). Collection method: clinical testing. Allele origin: germline.
Comment: This variant is a gross deletion of the genomic region encompassing exons 1-16 of the SPINK5 gene, which includes the initiator codon. The 5' end of this event is unknown as it extends beyond the assayed region for this gene and therefore may encompass additional genes. The 3' boundary is likely confined to intron 16 of the SPINK5 gene. This is expected to result in an absent or disrupted protein product. This variant has not been reported in the literature in individuals with SPINK5-related conditions. Loss-of-function variants in SPINK5 are known to be pathogenic (PMID: 11511292, 11841556). For these reasons, this variant has been classified as Pathogenic.

Literature cited by the submitters: PubMed 11511292; PubMed 11841556.

NC_000005.9:g.(?_147443360)_(147484583_?)del

Gene: SPINK5 (serine peptidase inhibitor Kazal type 5; plus strand). Cytogenetic location: 5q32.
Variant type: Deletion.
Identifiers: ClinVar variation 1072829 (VCV001072829.1).